The following is an entry in ClinVar:

ClinVar aggregate classification (germline): Likely pathogenic (1 of 4 stars; one submission).

Conditions:
Familial thoracic aortic aneurysm and aortic dissection (TAAD). Also called: Thoracic aortic aneurysms and dissections. Identifiers: Orphanet 91387, MedGen C4707243, MONDO:0019625.

Submission:

Labcorp Genetics (formerly Invitae), Labcorp
Classification: Likely pathogenic for Familial thoracic aortic aneurysm and aortic dissection. Last evaluated: 2017-12-16. Review status: criteria provided, single submitter. Criteria: Invitae Variant Classification Sherloc (09022015). Collection method: clinical testing. Allele origin: germline.
Comment: Loss-of-function variants in SMAD3 are known to be pathogenic (PMID: 21778426, 24804794). In summary, the currently available evidence indicates that the variant is pathogenic, but additional data are needed to prove that conclusively. Therefore, this variant has been classified as Likely Pathogenic. Sub-genic duplications are generally in tandem (PMID: 25640679), and result in an absent or disrupted protein. This variant has been reported in the literature in an individual with SMAD3-related disease (PMID: 25944730). This variant is a gross duplication of the genomic region encompassing exons 2-5 of the SMAD3 gene. While the exact position of the duplicated exons cannot be determined from this data, the duplicated copy of this region is likely in tandem and may result in an absent or disrupted protein product.

Literature cited by the submitters: PubMed 21778426; PubMed 24804794; PubMed 25640679; PubMed 25944730.

NC_000015.9:g.(?_67457213)_(67462962_?)dup

Gene: SMAD3 (SMAD family member 3; plus strand). Cytogenetic location: 15q22.33.
Variant type: Duplication.
Identifiers: ClinVar variation 543915 (VCV000543915.7).